The following is an entry in ClinVar:

ClinVar aggregate classification (germline): Uncertain significance (1 of 4 stars; one submission).

Allele frequency attached by ClinVar (database versions not stated): ExAC 0.00001; gnomAD 0.00001; TOPMed 0.00002.
gnomAD v4.1: 19 of 1,613,776 alleles (0.0012%); highest among the groups gnomAD compares: Middle Eastern, 0.016%; no homozygotes.

Submission:

Labcorp Genetics (formerly Invitae), Labcorp
Classification: Uncertain significance. Last evaluated: 2022-06-24. Review status: criteria provided, single submitter. Criteria: Invitae Variant Classification Sherloc (09022015). Collection method: clinical testing. Allele origin: germline.
Comment: In summary, the available evidence is currently insufficient to determine the role of this variant in disease. Therefore, it has been classified as a Variant of Uncertain Significance. Algorithms developed to predict the effect of missense changes on protein structure and function are either unavailable or do not agree on the potential impact of this missense change (SIFT: "Deleterious"; PolyPhen-2: "Benign"; Align-GVGD: "Class C0"). This variant has not been reported in the literature in individuals affected with POLR1D-related conditions. This variant is present in population databases (rs749892311, gnomAD 0.003%). This sequence change replaces threonine, which is neutral and polar, with methionine, which is neutral and non-polar, at codon 72 of the POLR1D protein (p.Thr72Met).

NM_015972.4(POLR1D):c.215C>T (p.Thr72Met)

Genes: POLR1D (RNA polymerase I and III subunit D; plus strand), LOC147380392 (uncharacterized LOC147380392; plus strand). Cytogenetic location: 13q12.2.
Variant type: single nucleotide variant.
Coding change: c.215C>T on transcript NM_015972.4 (MANE Select); coding-DNA position 215, C replaced by T.
Protein change: p.Thr72Met; replaces threonine 72 with methionine.
Molecular consequence: missense variant. On other transcripts: intron variant (2).
Genome position (GRCh38, 1-based): chr13:27,623,063, C>T. VCF-style: chr13-27623063-C-T. GRCh37 (hg19) VCF-style: chr13-28197200-C-T.
Other names: c.215C>T, p.Thr72Met (NM_001374407.1); c.-59+1923C>T (NM_001206559.2); c.26+1054C>T (NM_152705.3); short protein forms T72M.
Identifiers: ClinVar variation 1960825 (VCV001960825.5), dbSNP rs749892311, ClinGen allele CA6927277.